The following is an entry in ClinVar:

ClinVar aggregate classification (germline): Uncertain significance. Review status: criteria provided, multiple submitters, no conflicts (2 of 4 stars). 4 submissions from 4 submitters: Uncertain significance (4). Last evaluated 2025-02-05.

Conditions:
SCP2-related disorder. Also called: SCP2-related condition.
Sterol carrier protein 2 deficiency. Also called: Leukoencephalopathy with dystonia and motor neuropathy; Leukoencephalopathy, dystonia, motor neuropathy syndrome. Identifiers: Orphanet 163684, MedGen C3150990, MONDO:0013391, OMIM 613724.

Allele frequency attached by ClinVar (database versions not stated): gnomAD exomes 0.00001 and 0.00003; ExAC 0.00002; TOPMed 0.00006; gnomAD 0.00007 and 0.00008; ESP Exome Variant Server 0.00008.
gnomAD v4.1: 26 of 1,613,730 alleles (0.0016%); highest among the groups gnomAD compares: African/African-American, 0.016%; no homozygotes.

Submissions (4):

PreventionGenetics, part of Exact Sciences
Classification: Uncertain significance for SCP2-related condition. Last evaluated: 2025-02-05. Review status: criteria provided, single submitter. Criteria: ACMG Guidelines, 2015. Collection method: clinical testing. Allele origin: germline.
Comment: The SCP2 c.230A>G variant is predicted to result in the amino acid substitution p.Tyr77Cys. To our knowledge, this variant has not been reported in the literature. This variant is reported in 0.024% of alleles in individuals of African descent in gnomAD (gnomAD). At this time, the clinical significance of this variant is uncertain due to the absence of conclusive functional and genetic evidence.

Ambry Genetics
Classification: Uncertain significance. Last evaluated: 2024-10-07. Review status: criteria provided, single submitter. Criteria: Ambry Variant Classification Scheme 2023. Collection method: clinical testing. Allele origin: germline.

Fulgent Genetics
Classification: Uncertain significance for Sterol carrier protein 2 deficiency. Last evaluated: 2024-06-04. Review status: criteria provided, single submitter. Criteria: ACMG Guidelines, 2015. Collection method: clinical testing. Allele origin: germline.

Labcorp Genetics (formerly Invitae), Labcorp
Classification: Uncertain significance. Last evaluated: 2022-09-01. Review status: criteria provided, single submitter. Criteria: Invitae Variant Classification Sherloc (09022015). Collection method: clinical testing. Allele origin: germline.
Comment: This sequence change replaces tyrosine, which is neutral and polar, with cysteine, which is neutral and slightly polar, at codon 77 of the SCP2 protein (p.Tyr77Cys). This variant is present in population databases (rs138573524, gnomAD 0.02%). This variant has not been reported in the literature in individuals affected with SCP2-related conditions. ClinVar contains an entry for this variant (Variation ID: 1512271). Algorithms developed to predict the effect of missense changes on protein structure and function are either unavailable or do not agree on the potential impact of this missense change (SIFT: "Deleterious"; PolyPhen-2: "Probably Damaging"; Align-GVGD: "Class C0"). In summary, the available evidence is currently insufficient to determine the role of this variant in disease. Therefore, it has been classified as a Variant of Uncertain Significance.

NM_002979.5(SCP2):c.230A>G (p.Tyr77Cys)

Gene: SCP2 (sterol carrier protein 2; plus strand). Cytogenetic location: 1p32.3.
Variant type: single nucleotide variant.
Coding change: c.230A>G on transcript NM_002979.5 (MANE Select); coding-DNA position 230, A replaced by G.
Protein change: p.Tyr77Cys; replaces tyrosine 77 with cysteine.
Molecular consequence: missense variant. On other transcripts: 5 prime UTR variant (1), intron variant (2).
Genome position (GRCh38, 1-based): chr1:52,950,785, A>G. VCF-style: chr1-52950785-A-G. GRCh37 (hg19) VCF-style: chr1-53416457-A-G.
Other names: c.158A>G, p.Tyr53Cys (NM_001193599.2); c.-14A>G (NM_001193617.2); c.230A>G, p.Tyr77Cys (NM_001330587.2); c.199+2705A>G (NM_001193600.2, NM_001007098.3); c.230A>G (NM_002979.4); short protein forms Y53C, Y77C.
Identifiers: ClinVar variation 1512271 (VCV001512271.6), dbSNP rs138573524, ClinGen allele CA857061.
Genomic context (GRCh38, chr1:52,950,785, plus strand): 5'-CCATATTAAAATTTTTGTTTTTCTATTCAGGTGACTCTACCTGTGGGCAGAGGGCTATCT[A>G]TCACAGTTTGGGAATGACTGGAATTCCTATAATCAATGTCAACAATAACTGTGCTACTGG-3'
Protein context (NP_002970.2, residues 67-87): GDSTCGQRAI[Tyr77Cys]HSLGMTGIPI